The following is an entry in ClinVar:

NM_001128148.3(TFRC):c.1292A>G (p.Gln431Arg)

Gene: TFRC (transferrin receptor; minus strand). Cytogenetic location: 3q29.
Variant type: single nucleotide variant.
Coding change: c.1292A>G on transcript NM_001128148.3 (MANE Select); coding-DNA position 1292, A replaced by G.
Protein change: p.Gln431Arg; replaces glutamine 431 with arginine.
Molecular consequence: missense variant.
Genome position (GRCh38, 1-based): chr3:196,064,335, T>C on the plus strand (A>G on the coding strand, the complement: TFRC is on the minus strand). VCF-style: chr3-196064335-T-C. GRCh37 (hg19) VCF-style: chr3-195791206-T-C.
Other names: c.1049A>G, p.Gln350Arg (NM_001313965.2); c.446A>G, p.Gln149Arg (NM_001313966.2); c.1292A>G, p.Gln431Arg (NM_003234.4); short protein forms Q350R, Q431R, Q149R.
Identifiers: ClinVar variation 3694672 (VCV003694672.2).

ClinVar aggregate classification (germline): Uncertain significance (1 of 4 stars; one submission).

gnomAD v4.1: 6 of 1,613,252 alleles (0.00037%); highest among the groups gnomAD compares: African/African-American, 0.0027%; no homozygotes.

Submission:

Labcorp Genetics (formerly Invitae), Labcorp
Classification: Uncertain significance. Last evaluated: 2024-03-24. Review status: criteria provided, single submitter. Criteria: Invitae Variant Classification Sherloc (09022015). Collection method: clinical testing. Allele origin: germline.
Comment: This sequence change replaces glutamine, which is neutral and polar, with arginine, which is basic and polar, at codon 431 of the TFRC protein (p.Gln431Arg). This variant is present in population databases (no rsID available, gnomAD 0.01%). This variant has not been reported in the literature in individuals affected with TFRC-related conditions. Advanced modeling of protein sequence and biophysical properties (such as structural, functional, and spatial information, amino acid conservation, physicochemical variation, residue mobility, and thermodynamic stability) performed at Invitae indicates that this missense variant is not expected to disrupt TFRC protein function with a negative predictive value of 80%. In summary, the available evidence is currently insufficient to determine the role of this variant in disease. Therefore, it has been classified as a Variant of Uncertain Significance.